The following is an entry in ClinVar:

ClinVar aggregate classification (germline): Uncertain significance. Review status: criteria provided, multiple submitters, no conflicts (2 of 4 stars). 2 submissions from 2 submitters: Uncertain significance (2). Last evaluated 2025-02-01.

Conditions:
Hereditary cancer-predisposing syndrome. Also called: Neoplastic Syndromes, Hereditary; Tumor predisposition; Hereditary Cancer Syndrome; Hereditary neoplastic syndrome. Identifiers: Orphanet 140162, MedGen C0027672, MeSH D009386, MONDO:0015356.

Submissions (2):

CeGaT Center for Human Genetics Tuebingen
Classification: Uncertain significance. Last evaluated: 2025-02-01. Review status: criteria provided, single submitter. Criteria: CeGaT Center For Human Genetics Tuebingen Variant Classification Criteria Version 2. Collection method: clinical testing. Allele origin: germline. Affected: yes. Observed: 1 variant allele.
Comment: BRCA2: PM2, PM5:Supporting, BP4

Color Diagnostics, LLC DBA Color Health
Classification: Uncertain significance for Hereditary cancer-predisposing syndrome. Last evaluated: 2023-08-08. Review status: criteria provided, single submitter. Criteria: ACMG Guidelines, 2015. Collection method: clinical testing. Allele origin: germline.
Comment: This missense variant replaces valine with glycine at codon 211 of the BRCA2 protein. Computational prediction suggests that this variant may not impact protein structure and function (internally defined REVEL score threshold <= 0.5, PMID: 27666373). To our knowledge, functional studies have not been reported for this variant. This variant has not been reported in individuals affected with BRCA2-related disorders in the literature. This variant has not been identified in the general population by the Genome Aggregation Database (gnomAD). The available evidence is insufficient to determine the role of this variant in disease conclusively. Therefore, this variant is classified as a Variant of Uncertain Significance.

NM_000059.4(BRCA2):c.632T>G (p.Val211Gly)

Gene: BRCA2 (BRCA2 DNA repair associated; plus strand). Cytogenetic location: 13q13.1.
Variant type: single nucleotide variant.
Coding change: c.632T>G on transcript NM_000059.4 (MANE Select); coding-DNA position 632, T replaced by G.
Protein change: p.Val211Gly; replaces valine 211 with glycine.
Molecular consequence: missense variant. On other transcripts: non-coding transcript variant (1).
Genome position (GRCh38, 1-based): chr13:32,329,443, T>G. VCF-style: chr13-32329443-T-G. GRCh37 (hg19) VCF-style: chr13-32903580-T-G.
Other names: c.632T>G, p.Val211Gly (NM_001406719.1, NM_001406720.1, NM_001406721.1 and 1 more transcripts); c.263T>G, p.Val88Gly (NM_001406722.1); short protein forms V211G, V88G.
Identifiers: ClinVar variation 3772569 (VCV003772569.14).